The following is an entry in ClinVar:

ClinVar aggregate classification (germline): Likely benign. Review status: criteria provided, multiple submitters, no conflicts (2 of 4 stars). 2 submissions from 2 submitters: Likely benign (2). Last evaluated 2025-10-20.

Conditions:
Neonatal-onset encephalopathy with rigidity and seizures. Also called: Lethal neonatal spasticity-epileptic encephalopathy syndrome. Identifiers: Orphanet 435845, MedGen C3281029, MONDO:0013784, OMIM 614498.

Allele frequency attached by ClinVar (database versions not stated): TOPMed 0.00001; gnomAD exomes 0.00002 and 0.00004; ExAC 0.00003; gnomAD 0.00003; ESP Exome Variant Server 0.00008.
gnomAD v4.1: 68 of 1,604,586 alleles (0.0042%); highest among the groups gnomAD compares: Non-Finnish European, 0.0052%; no homozygotes.

Submissions (2):

Labcorp Genetics (formerly Invitae), Labcorp
Classification: Likely benign for Neonatal-onset encephalopathy with rigidity and seizures. Last evaluated: 2025-10-20. Review status: criteria provided, single submitter. Criteria: Invitae Variant Classification Sherloc (09022015). Collection method: clinical testing. Allele origin: germline.

CeGaT Center for Human Genetics Tuebingen
Classification: Likely benign. Last evaluated: 2022-03-01. Review status: criteria provided, single submitter. Criteria: CeGaT Center For Human Genetics Tuebingen Variant Classification Criteria Version 2. Collection method: clinical testing. Allele origin: germline. Affected: yes. Observed: 1 variant allele.
Comment: BRAT1: BP4, BP7

NM_152743.4(BRAT1):c.474G>A (p.Leu158=)

Gene: BRAT1 (BRCA1 associated ATM activator 1; minus strand). Cytogenetic location: 7p22.3.
Variant type: single nucleotide variant.
Coding change: c.474G>A on transcript NM_152743.4 (MANE Select); coding-DNA position 474, G replaced by A.
Protein change: p.Leu158=; no amino-acid change (leucine 158 retained).
Molecular consequence: synonymous variant. On other transcripts: 5 prime UTR variant (1), non-coding transcript variant (1).
Genome position (GRCh38, 1-based): chr7:2,543,919, C>T on the plus strand (G>A on the coding strand, the complement: BRAT1 is on the minus strand). VCF-style: chr7-2543919-C-T. GRCh37 (hg19) VCF-style: chr7-2583553-C-T.
Other names: c.474G>A, p.Leu158= (NM_001350626.2); c.-52G>A (NM_001350627.2).
Identifiers: ClinVar variation 1122336 (VCV001122336.32), dbSNP rs141198732, ClinGen allele CA4128190.